The following is an entry in ClinVar:

ClinVar aggregate classification (germline): Uncertain significance (1 of 4 stars; one submission).

Conditions:
Spastic paraplegia. Identifiers: MedGen C0037772, HP:0001258.

Allele frequency attached by ClinVar (database versions not stated): ExAC 0.00001; gnomAD exomes 0.00002; gnomAD 0.00005; TOPMed 0.00005.
gnomAD v4.1: 33 of 1,613,732 alleles (0.002%); highest among the groups gnomAD compares: Non-Finnish European, 0.0025%; no homozygotes.

Submission:

Labcorp Genetics (formerly Invitae), Labcorp
Classification: Uncertain significance for Spastic paraplegia. Last evaluated: 2021-10-07. Review status: criteria provided, single submitter. Criteria: Invitae Variant Classification Sherloc (09022015). Collection method: clinical testing. Allele origin: germline.
Comment: This variant has not been reported in the literature in individuals affected with AP4E1-related conditions. This variant is present in population databases (rs575755450, ExAC 0.002%). This sequence change replaces lysine with arginine at codon 187 of the AP4E1 protein (p.Lys187Arg). The lysine residue is highly conserved and there is a small physicochemical difference between lysine and arginine. Algorithms developed to predict the effect of missense changes on protein structure and function are either unavailable or do not agree on the potential impact of this missense change (SIFT: "Deleterious"; PolyPhen-2: "Probably Damaging"; Align-GVGD: "Class C0"). In summary, the available evidence is currently insufficient to determine the role of this variant in disease. Therefore, it has been classified as a Variant of Uncertain Significance.

NM_007347.5(AP4E1):c.560A>G (p.Lys187Arg)

Gene: AP4E1 (adaptor related protein complex 4 subunit epsilon 1; plus strand). Cytogenetic location: 15q21.2.
Variant type: single nucleotide variant.
Coding change: c.560A>G on transcript NM_007347.5 (MANE Select); coding-DNA position 560, A replaced by G.
Protein change: p.Lys187Arg; replaces lysine 187 with arginine.
Molecular consequence: missense variant.
Genome position (GRCh38, 1-based): chr15:50,929,026, A>G. VCF-style: chr15-50929026-A-G. GRCh37 (hg19) VCF-style: chr15-51221223-A-G.
Other names: c.335A>G, p.Lys112Arg (NM_001252127.2); short protein forms K187R, K112R.
Identifiers: ClinVar variation 1435530 (VCV001435530.6), dbSNP rs575755450, ClinGen allele CA7558814.
Genomic context (GRCh38, chr15:50,929,026, plus strand): 5'-AGAATTCAGATTGTCTTGTTTAAATTTCATTTTTTGTCTTCAGGGAGATTGTACGAAGAA[A>G]AGCTGTTCTGGCATTATACAAATTCCATCTCATTGCTCCTAATCAAGTACAACATATTCA-3'
Protein context (NP_031373.2, residues 177-197): LQHSKEIVRR[Lys187Arg]AVLALYKFHL